The following is an entry in ClinVar:

NM_005996.4(TBX3):c.1273A>C (p.Ser425Arg)

Gene: TBX3 (T-box transcription factor 3; minus strand). Cytogenetic location: 12q24.21.
Variant type: single nucleotide variant.
Coding change: c.1273A>C on transcript NM_005996.4 (MANE Select); coding-DNA position 1273, A replaced by C.
Protein change: p.Ser425Arg; replaces serine 425 with arginine.
Molecular consequence: missense variant.
Genome position (GRCh38, 1-based): chr12:114,674,602, T>G on the plus strand (A>C on the coding strand, the complement: TBX3 is on the minus strand). VCF-style: chr12-114674602-T-G. GRCh37 (hg19) VCF-style: chr12-115112407-T-G.
Other names: c.1333A>C, p.Ser445Arg (NM_016569.4); short protein forms S445R, S425R.
Identifiers: ClinVar variation 4980178 (VCV004980178.1).

ClinVar aggregate classification (germline): Uncertain significance (1 of 4 stars; one submission).

Conditions:
TBX3-related disorder. Also called: TBX3-related condition.

Submission:

PreventionGenetics, part of Exact Sciences
Classification: Uncertain significance for TBX3-related condition. Last evaluated: 2026-02-03. Review status: criteria provided, single submitter. Criteria: ACMG Guidelines, 2015. Collection method: clinical testing. Allele origin: germline.
Comment: The TBX3 c.1333A>C variant is predicted to result in the amino acid substitution p.Ser445Arg. To our knowledge, this variant has not been reported in the literature. This variant is reported in 0.0089% of alleles in individuals of African descent in gnomAD. At this time, the clinical significance of this variant is uncertain due to the absence of conclusive functional and genetic evidence.